The following is an entry in ClinVar:

ClinVar aggregate classification (germline): Uncertain significance (1 of 4 stars; one submission).

Conditions:
Cardiovascular phenotype. Identifiers: MedGen CN230736.

Submission:

Ambry Genetics
Classification: Uncertain significance for Cardiovascular phenotype. Last evaluated: 2024-10-23. Review status: criteria provided, single submitter. Criteria: Ambry Variant Classification Scheme 2023. Collection method: clinical testing. Allele origin: germline.
Comment: The c.11614_11616delCCT variant (also known as p.P3872del) is located in coding exon 49 of the AKAP9 gene. This variant results from an in-frame CCT deletion at nucleotide positions 11614 to 11616. This results in the in-frame deletion of a proline at codon 3872. This amino acid position is highly conserved in available vertebrate species. In addition, this alteration is predicted to be deleterious by in silico analysis (Choi Y et al. PLoS ONE. 2012; 7(10):e46688). Based on the available evidence, the clinical significance of this variant remains unclear.

NM_005751.5(AKAP9):c.11614_11616del (p.Pro3872del)

Gene: AKAP9 (A-kinase anchoring protein 9; plus strand). Cytogenetic location: 7q21.2.
Variant type: Deletion.
Coding change: c.11614_11616del on transcript NM_005751.5 (MANE Select); coding-DNA positions 11614 to 11616, 3 bases deleted (CCT; older notation c.11614_11616delCCT).
Protein change: p.Pro3872del; deletes proline 3872.
Genome position (GRCh38, 1-based): chr7:92,108,561-92,108,563, CCT deleted; deleting any 3 consecutive bases within chr7:92,108,560-92,108,563 gives the same sequence; the c. name uses the placement nearest the transcript's 3' end. VCF-style (leftmost placement, unchanged base first): chr7-92108559-ATCC-A. GRCh37 (hg19) VCF-style: chr7-91737873-ATCC-A.
Other names: c.6259_6261del, p.Pro2087del (NM_001379277.1); c.11590_11592del, p.Pro3864del (NM_147185.3); short protein forms P3864del, P2087del, P3872del.
Identifiers: ClinVar variation 3516674 (VCV003516674.1).
Genomic context (GRCh38, chr7:92,108,559, plus strand): 5'-CAGGCACTCCAGCTGATTTCAATCCTGGTTCTTTAGCATGTTCTCAGCTTCAGAATTACG[ATCC>A]TGACAGAGCCCTAACAGATTATATCACTCGGCTAGAGGCACTGCAAAGACGACTTGGAAC-3'